The following is an entry in ClinVar:

ClinVar aggregate classification (germline): Conflicting classifications of pathogenicity. Review status: criteria provided, conflicting classifications (1 of 4 stars). 2 submissions from 2 submitters: Uncertain significance (1); Likely benign (1). Last evaluated 2025-01-20.

Conditions:
Inborn genetic diseases. Identifiers: MedGen C0950123, MeSH D030342.
Acute myeloid leukemia (AML). Also called: Leukemia, acute myeloid, somatic; Leukemia, acute myelogenous, somatic; Acute myeloid leukemia, adult; AML adult; Acute non-lymphocytic leukemia; Acute granulocytic leukemia. Identifiers: Orphanet 519, MedGen C0023467, MeSH D015470, MONDO:0018874, OMIM 601626, HP:0004808. Disease mechanism: Constitutively activated FLT3.

Submissions (2):

Ambry Genetics
Classification: Likely benign for Inborn genetic diseases. Last evaluated: 2025-01-20. Review status: criteria provided, single submitter. Criteria: Ambry Variant Classification Scheme 2023. Collection method: clinical testing. Allele origin: germline.

Labcorp Genetics (formerly Invitae), Labcorp
Classification: Uncertain significance for Acute myeloid leukemia. Last evaluated: 2021-08-30. Review status: criteria provided, single submitter. Criteria: Invitae Variant Classification Sherloc (09022015). Collection method: clinical testing. Allele origin: germline.
Comment: The frequency data for this variant in the population databases is considered unreliable, as metrics indicate insufficient coverage at this position in the ExAC database. In summary, the available evidence is currently insufficient to determine the role of this variant in disease. Therefore, it has been classified as a Variant of Uncertain Significance. Algorithms developed to predict the effect of missense changes on protein structure and function (SIFT, PolyPhen-2, Align-GVGD) all suggest that this variant is likely to be tolerated. This variant has not been reported in the literature in individuals affected with CEBPA-related conditions. This sequence change replaces proline with alanine at codon 194 of the CEBPA protein (p.Pro194Ala). The proline residue is weakly conserved and there is a small physicochemical difference between proline and alanine.

NM_004364.5(CEBPA):c.580C>G (p.Pro194Ala)

Gene: CEBPA (CCAAT enhancer binding protein alpha; minus strand). Cytogenetic location: 19q13.11.
Variant type: single nucleotide variant.
Coding change: c.580C>G on transcript NM_004364.5 (MANE Select); coding-DNA position 580, C replaced by G.
Protein change: p.Pro194Ala; replaces proline 194 with alanine.
Molecular consequence: missense variant.
Genome position (GRCh38, 1-based): chr19:33,301,835, G>C on the plus strand (C>G on the coding strand, the complement: CEBPA is on the minus strand). VCF-style: chr19-33301835-G-C. GRCh37 (hg19) VCF-style: chr19-33792741-G-C.
Other names: c.223C>G, p.Pro75Ala (NM_001285829.2); c.685C>G, p.Pro229Ala (NM_001287424.2); c.538C>G, p.Pro180Ala (NM_001287435.2); c.580C>G (NM_004364.3); short protein forms P194A, P229A, P75A, P180A.
Identifiers: ClinVar variation 1470961 (VCV001470961.7), dbSNP rs1967177805, ClinGen allele CA405274649.